The following is an entry in ClinVar:

NM_000051.4(ATM):c.7788G>C (p.Glu2596Asp)

Genes: ATM (ATM serine/threonine kinase; plus strand), C11orf65 (chromosome 11 open reading frame 65; minus strand). Cytogenetic location: 11q22.3.
Variant type: single nucleotide variant.
Coding change: c.7788G>C on transcript NM_000051.4 (MANE Select); coding-DNA position 7788, G replaced by C.
Protein change: p.Glu2596Asp; replaces glutamic acid 2596 with aspartic acid.
Molecular consequence: missense variant. On other transcripts: intron variant (2).
Genome position (GRCh38, 1-based): chr11:108,332,037, G>C. VCF-style: chr11-108332037-G-C. GRCh37 (hg19) VCF-style: chr11-108202764-G-C.
Other names: c.7788G>C, p.Glu2596Asp (NM_001351834.2); c.641-22966C>G (NM_001330368.2); c.*38+3183C>G (NM_001351110.2); short protein forms E2596D.
Identifiers: ClinVar variation 558043 (VCV000558043.12), dbSNP rs587780639, ClinGen allele CA501110.

ClinVar aggregate classification (germline): Conflicting classifications of pathogenicity. Review status: criteria provided, conflicting classifications (1 of 4 stars). 7 submissions from 7 submitters: Pathogenic (1); Likely pathogenic (4); Uncertain significance (1). 1 of the submissions does not count toward it. Last evaluated 2025-04-17.

Conditions:
Hereditary cancer-predisposing syndrome. Also called: Hereditary Cancer Syndrome; Neoplastic Syndromes, Hereditary; Tumor predisposition; Hereditary neoplastic syndrome. Identifiers: Orphanet 140162, MedGen C0027672, MeSH D009386, MONDO:0015356.
Familial cancer of breast. Also called: BREAST CANCER, FAMILIAL; Hereditary breast cancer; hereditary breast carcinoma. Identifiers: Orphanet 227535, MedGen C0346153, MONDO:0016419, OMIM 114480. Disease mechanism: loss of function.
Ataxia-telangiectasia syndrome (AT). Also called: Cerebello-oculocutaneous telangiectasia; Immunodeficiency with ataxia telangiectasia; Ataxia-telangiectasia, complementation group E; Ataxia-telangiectasia, complementation group D; AT, COMPLEMENTATION GROUP C; ATAXIA-TELANGIECTASIA, COMPLEMENTATION GROUP A. Identifiers: Orphanet 100, MedGen C0004135, MONDO:0008840, OMIM 208900.

gnomAD v4.1: 6 of 1,613,484 alleles (0.00037%); highest among the groups gnomAD compares: South Asian, 0.0066%; no homozygotes.

Submissions (7):

GeneDx
Classification: Likely pathogenic. Last evaluated: 2025-04-17. Review status: criteria provided, single submitter. Criteria: GeneDx Variant Classification Process June 2021. Collection method: clinical testing. Allele origin: germline. Affected: yes.
Comment: Alters the last nucleotide of the exon and is predicted to destroy the splice donor site, resulting in the in-frame skipping of exon 52, which is located in the critical FAT domain (PMID: 23532176); Not observed at significant frequency in large population cohorts (gnomAD); In silico analysis supports that this missense variant does not alter protein structure/function; This variant is associated with the following publications: (PMID: 9792409, 35260754, 23532176)

Labcorp Genetics (formerly Invitae), Labcorp
Classification: Likely pathogenic for Ataxia-telangiectasia syndrome. Last evaluated: 2024-05-22. Review status: criteria provided, single submitter. Criteria: Invitae Variant Classification Sherloc (09022015). Collection method: clinical testing. Allele origin: germline.
Comment: This sequence change replaces glutamic acid, which is acidic and polar, with aspartic acid, which is acidic and polar, at codon 2596 of the ATM protein (p.Glu2596Asp). This variant also falls at the last nucleotide of exon 52, which is part of the consensus splice site for this exon. This variant is not present in population databases (gnomAD no frequency). This missense change has been observed in individual(s) with ataxia telangiectasia (PMID: 35260754). ClinVar contains an entry for this variant (Variation ID: 558043). An algorithm developed to predict the effect of missense changes on protein structure and function (PolyPhen-2) suggests that this variant is likely to be tolerated. Variants that disrupt the consensus splice site are a relatively common cause of aberrant splicing (PMID: 17576681, 9536098). Algorithms developed to predict the effect of sequence changes on RNA splicing suggest that this variant may disrupt the consensus splice site. This variant disrupts the c.7788G nucleotide in the ATM gene. Other variant(s) that disrupt this nucleotide have been determined to be pathogenic (PMID: 9536098, 9792409, 17576681, 26693373; Invitae). This suggests that this nucleotide is clinically significant, and that variants that disrupt this position are likely to be disease-causing. In summary, the currently available evidence indicates that the variant is pathogenic, but additional data are needed to prove that conclusively. Therefore, this variant has been classified as Likely Pathogenic.

Ambry Genetics
Classification: Pathogenic for Hereditary cancer-predisposing syndrome. Last evaluated: 2024-01-22. Review status: criteria provided, single submitter. Criteria: Ambry Variant Classification Scheme 2023. Collection method: clinical testing. Allele origin: germline.
Comment: The p.E2596D pathogenic mutation (also known as c.7788G>C), located in coding exon 51 of the ATM gene, results from a G to C substitution at nucleotide position 7788. The glutamic acid at codon 2596 is replaced by aspartic acid, an amino acid with highly similar properties. However, this change occurs in the last base pair of coding exon 51, which makes it likely to have some effect on normal mRNA splicing. This variant has been identified in the homozygous state and likely in trans with another ATM variant in individuals diagnosed with ataxia telangiectasia (Ambry internal data; Rawat A et al. Sci Rep, 2022 Mar;12:4036). Another alteration impacting the same donor site (c.7788G>A) has been reported in multiple individuals with a clinical diagnosis of ataxia telangiectasia, two of whom were reported to be homozygous for the mutation (Broeks A et al. Hum. Mutat. 1998;12:330-7; Ayg&uuml;n FD et al. Case Rep Pediatr. 2015;2015: 615368). This variant is considered to be rare based on population cohorts in the Genome Aggregation Database (gnomAD). This nucleotide position is highly conserved in available vertebrate species. This amino acid position is well conserved in available vertebrate species. In silico splice site analysis predicts that this alteration will weaken the native splice donor site. In addition, as a missense substitution this is predicted to be tolerated by in silico analysis. Based on the supporting evidence, this alteration is interpreted as a disease-causing mutation.

Myriad Genetics, Inc.
Classification: Likely pathogenic for Familial cancer of breast. Last evaluated: 2023-04-04. Review status: criteria provided, single submitter. Criteria: Myriad Autosomal Dominant, Autosomal Recessive and X-Linked Classification Criteria (2023). Collection method: clinical testing. Allele origin: unknown.
Comment: This variant is considered likely pathogenic. mRNA analysis has demonstrated abnormal mRNA splicing occurs [Myriad internal data]. This variant has been reported in multiple individuals with clinical features of gene-specific disease [PMID: 35260754].

Baylor Genetics
Classification: Likely pathogenic for Familial cancer of breast. Last evaluated: 2023-01-31. Review status: criteria provided, single submitter. Criteria: ACMG Guidelines, 2015. Collection method: clinical testing. Allele origin: unknown.

Neuberg Centre For Genomic Medicine, NCGM
Classification: Uncertain significance for Ataxia-telangiectasia syndrome. Review status: criteria provided, single submitter. Criteria: ACMG Guidelines, 2015. Collection method: clinical testing. Allele origin: germline. Inheritance: Autosomal recessive inheritance. Affected: yes.
Comment: The missense variant in c.7788G>C(p.Glu2596Asp) in ATM gene has not been reported previously as a pathogenic variant nor as a benign variant, to our knowledge. The p.Glu2596Asp variant is novel (not in any individuals) in gnomAD Exomes and 1000 Genomes. The amino acid Glu at position 2596 is changed to a Asp changing protein sequence and it might alter its composition and physico-chemical properties. In silico tools predict the variant to be tolerated. The residue is conserved across species. The amino acid change p.Glu2596Asp in ATM is predicted as conserved by GERP++ and PhyloP across 100 vertebrates.. For these reasons, this variant has been classified as Uncertain Significance.

Counsyl
Classification: Uncertain significance for Ataxia-telangiectasia syndrome. Last evaluated: 2018-04-25. Review status: no assertion criteria provided. Collection method: clinical testing. Allele origin: unknown. Not counted in ClinVar's aggregate classification.

Literature cited by the submitters: PubMed 35260754 (cited by 3 submitters); PubMed 17576681 (cited by Labcorp Genetics (formerly Invitae), Labcorp); PubMed 9536098 (cited by Labcorp Genetics (formerly Invitae), Labcorp); PubMed 9792409 (cited by Labcorp Genetics (formerly Invitae), Labcorp); PubMed 26693373 (cited by Labcorp Genetics (formerly Invitae), Labcorp).